The following is an entry in ClinVar:

ClinVar aggregate classification (germline): Pathogenic (1 of 4 stars; one submission).

Submission:

Labcorp Genetics (formerly Invitae), Labcorp
Classification: Pathogenic. Last evaluated: 2025-10-14. Review status: criteria provided, single submitter. Criteria: Invitae Variant Classification Sherloc (09022015). Collection method: clinical testing. Allele origin: germline.
Comment: This sequence change creates a premature translational stop signal (p.Gln1520*) in the CDK5RAP2 gene. It is expected to result in an absent or disrupted protein product. Loss-of-function variants in CDK5RAP2 are known to be pathogenic (PMID: 15793586, 20460369, 26436113). This variant is not present in population databases (gnomAD no frequency). This variant has not been reported in the literature in individuals affected with CDK5RAP2-related conditions. For these reasons, this variant has been classified as Pathogenic.

Literature cited by the submitters: PubMed 15793586; PubMed 20460369; PubMed 26436113.

NM_018249.6(CDK5RAP2):c.4558C>T (p.Gln1520Ter)

Gene: CDK5RAP2 (CDK5 regulatory subunit associated protein 2; minus strand). Cytogenetic location: 9q33.2.
Variant type: single nucleotide variant.
Coding change: c.4558C>T on transcript NM_018249.6 (MANE Select); coding-DNA position 4558, C replaced by T.
Protein change: p.Gln1520Ter; replaces glutamine 1520 with a stop codon.
Molecular consequence: nonsense. On other transcripts: non-coding transcript variant (5).
Genome position (GRCh38, 1-based): chr9:120,409,173, G>A on the plus strand (C>T on the coding strand, the complement: CDK5RAP2 is on the minus strand). VCF-style: chr9-120409173-G-A. GRCh37 (hg19) VCF-style: chr9-123171451-G-A.
Other names: c.4558C>T, p.Gln1520Ter (NM_001011649.3); c.3868C>T, p.Gln1290Ter (NM_001272039.2); c.4459C>T, p.Gln1487Ter (NM_001410992.1); c.4462C>T, p.Gln1488Ter (NM_001410993.1); c.4555C>T, p.Gln1519Ter (NM_001410994.1); short protein forms Q1290*, Q1487*, Q1519*, Q1520*, Q1488*.
Identifiers: ClinVar variation 4729199 (VCV004729199.1).